The following is an entry in ClinVar:

ClinVar aggregate classification (germline): Likely pathogenic (1 of 4 stars; one submission).

Conditions:
Dilated cardiomyopathy 1G (CMD1G). Identifiers: Orphanet 154, MedGen C1858763, MONDO:0011400, OMIM 604145.
Autosomal recessive limb-girdle muscular dystrophy type 2J (LGMDR10). Also called: Limb-girdle muscular dystrophy, type 2J; MUSCULAR DYSTROPHY, LIMB-GIRDLE, AUTOSOMAL RECESSIVE 10. Identifiers: Orphanet 140922, MedGen C1837342, MONDO:0012127, OMIM 608807.

Allele frequency attached by ClinVar (database versions not stated): gnomAD exomes below 0.00001.
gnomAD v4.1: 2 of 1,613,376 alleles (0.00012%); highest among the groups gnomAD compares: Non-Finnish European, 0.00017%; no homozygotes.

Submission:

Labcorp Genetics (formerly Invitae), Labcorp
Classification: Likely pathogenic for Dilated cardiomyopathy 1G; Autosomal recessive limb-girdle muscular dystrophy type 2J. Last evaluated: 2022-08-30. Review status: criteria provided, single submitter. Criteria: Invitae Variant Classification Sherloc (09022015). Collection method: clinical testing. Allele origin: germline.
Comment: In summary, the currently available evidence indicates that the variant is pathogenic, but additional data are needed to prove that conclusively. Therefore, this variant has been classified as Likely Pathogenic. This variant is located in the A band of TTN (PMID: 25589632). Truncating variants in this region are significantly overrepresented in patients affected with dilated cardiomyopathy (PMID: 25589632). Truncating variants in this region have also been reported in individuals affected with autosomal recessive centronuclear myopathy (PMID: 23975875). This variant has not been reported in the literature in individuals affected with TTN-related conditions. This variant is not present in population databases (gnomAD no frequency). This sequence change creates a premature translational stop signal (p.Trp26534*) in the TTN gene. While this is not anticipated to result in nonsense mediated decay, it is expected to create a truncated TTN protein.

Literature cited by the submitters: PubMed 25589632; PubMed 23975875.

NM_001267550.2(TTN):c.79602G>A (p.Trp26534Ter)

Genes: TTN (titin; minus strand), TTN-AS1 (TTN antisense RNA 1; plus strand). Cytogenetic location: 2q31.2.
Variant type: single nucleotide variant.
Coding change: c.79602G>A on transcript NM_001267550.2 (MANE Select); coding-DNA position 79602, G replaced by A.
Protein change: p.Trp26534Ter; replaces tryptophan 26534 with a stop codon.
Molecular consequence: nonsense.
Genome position (GRCh38, 1-based): chr2:178,566,530, C>T on the plus strand (G>A on the coding strand, the complement: TTN is on the minus strand). VCF-style: chr2-178566530-C-T. GRCh37 (hg19) VCF-style: chr2-179431257-C-T.
Other names: c.52983G>A, p.Trp17661Ter (NM_133437.4); c.74679G>A, p.Trp24893Ter (NM_001256850.1); c.52407G>A, p.Trp17469Ter (NM_003319.4); c.71898G>A, p.Trp23966Ter (NM_133378.4); c.52782G>A, p.Trp17594Ter (NM_133432.3); short protein forms W17594*, W17661*, W24893*, W17469*, W23966*, W26534*.
Identifiers: ClinVar variation 2027894 (VCV002027894.4), dbSNP rs2468289077, ClinGen allele CA349594586.